The following is an entry in ClinVar:

ClinVar aggregate classification (germline): Uncertain significance. Review status: criteria provided, multiple submitters, no conflicts (2 of 4 stars). 2 submissions from 2 submitters: Uncertain significance (2). Last evaluated 2022-12-16.

Allele frequency attached by ClinVar (database versions not stated): gnomAD exomes below 0.00001.
gnomAD v4.1: 4 of 1,613,468 alleles (0.00025%); highest among the groups gnomAD compares: Non-Finnish European, 0.00034%; no homozygotes.

Submissions (2):

Blueprint Genetics
Classification: Uncertain significance. Last evaluated: 2022-12-16. Review status: criteria provided, single submitter. Criteria: ACMG Guidelines, 2015. Collection method: clinical testing. Allele origin: germline.

GeneDx
Classification: Uncertain significance. Last evaluated: 2022-04-18. Review status: criteria provided, single submitter. Criteria: GeneDx Variant Classification Process June 2021. Collection method: clinical testing. Allele origin: germline. Affected: yes.
Comment: Not observed at significant frequency in large population cohorts (gnomAD); In silico analysis supports that this missense variant does not alter protein structure/function; Has not been previously published as pathogenic or benign to our knowledge

NM_004113.6(FGF12):c.511A>G (p.Asn171Asp)

Gene: FGF12 (fibroblast growth factor 12; minus strand). Cytogenetic location: 3q28.
Variant type: single nucleotide variant.
Coding change: c.511A>G on transcript NM_004113.6 (MANE Select); coding-DNA position 511, A replaced by G.
Protein change: p.Asn171Asp; replaces asparagine 171 with aspartic acid.
Molecular consequence: missense variant.
Genome position (GRCh38, 1-based): chr3:192,144,044, T>C on the plus strand (A>G on the coding strand, the complement: FGF12 is on the minus strand). VCF-style: chr3-192144044-T-C. GRCh37 (hg19) VCF-style: chr3-191861833-T-C.
Other names: c.697A>G, p.Asn233Asp (NM_021032.5); c.400A>G, p.Asn134Asp (NM_001377292.1); c.439A>G, p.Asn147Asp (NM_001377293.1, NM_001377294.1); short protein forms N134D, N147D, N171D, N233D.
Identifiers: ClinVar variation 1712052 (VCV001712052.3), dbSNP rs2473889655, ClinGen allele CA355865631.